The following is an entry in ClinVar:

NM_002693.3(POLG):c.367G>C (p.Val123Leu)

Genes: POLG (DNA polymerase gamma, catalytic subunit; minus strand), POLGARF (POLG alternative reading frame; minus strand). Cytogenetic location: 15q26.1.
Variant type: single nucleotide variant.
Coding change: c.367G>C on transcript NM_002693.3 (MANE Select); coding-DNA position 367, G replaced by C.
Protein change: p.Val123Leu; replaces valine 123 with leucine.
Molecular consequence: missense variant.
Genome position (GRCh38, 1-based): chr15:89,333,388, C>G on the plus strand (G>C on the coding strand, the complement: POLG is on the minus strand). VCF-style: chr15-89333388-C-G. GRCh37 (hg19) VCF-style: chr15-89876619-C-G.
Other names: c.367G>C, p.Val123Leu (NM_001126131.2); c.367G>C (NM_002693.2); short protein forms V123L.
Identifiers: ClinVar variation 1423179 (VCV001423179.4), dbSNP rs2055621640, ClinGen allele CA393772286.

ClinVar aggregate classification (germline): Uncertain significance. Review status: criteria provided, multiple submitters, no conflicts (2 of 4 stars). 2 submissions from 2 submitters: Uncertain significance (2). Last evaluated 2026-06-15.

Conditions:
Inborn genetic diseases. Identifiers: MedGen C0950123, MeSH D030342.
Progressive sclerosing poliodystrophy (MTDPS4A). Also called: Mitochondrial DNA depletion syndrome 4A (Alpers type); ALPERS DIFFUSE DEGENERATION OF CEREBRAL GRAY MATTER WITH HEPATIC CIRRHOSIS; Alpers-Huttenlocher Syndrome; Alpers Syndrome; Mitochondrial DNA Depletion Syndrome 4A; ALPERS PROGRESSIVE INFANTILE POLIODYSTROPHY. Identifiers: Orphanet 726, MedGen C0205710, MONDO:0008758, OMIM 203700.

gnomAD v4.1: 1 of 1,587,416 alleles (0.000063%); highest among the groups gnomAD compares: Non-Finnish European, 0.000085%; no homozygotes.

Submissions (2):

Ambry Genetics
Classification: Uncertain significance for Inborn genetic diseases. Last evaluated: 2026-06-15. Review status: criteria provided, single submitter. Criteria: Ambry Variant Classification Scheme 2023. Collection method: clinical testing. Allele origin: germline.

Labcorp Genetics (formerly Invitae), Labcorp
Classification: Uncertain significance for Progressive sclerosing poliodystrophy. Last evaluated: 2021-10-27. Review status: criteria provided, single submitter. Criteria: Invitae Variant Classification Sherloc (09022015). Collection method: clinical testing. Allele origin: germline.
Comment: This sequence change replaces valine, a(n) neutral and non-polar amino acid, with leucine, a(n) neutral and non-polar amino acid, at codon 123 of the POLG protein (p.Val123Leu). This variant is not present in population databases (gnomAD no frequency). This variant has not been reported in the literature in individuals affected with POLG-related conditions. Algorithms developed to predict the effect of missense changes on protein structure and function are either unavailable or do not agree on the potential impact of this missense change (SIFT: "Tolerated"; PolyPhen-2: "Possibly Damaging"; Align-GVGD: "Class C0"). In summary, the available evidence is currently insufficient to determine the role of this variant in disease. Therefore, it has been classified as a Variant of Uncertain Significance.